The following is an entry in ClinVar:

ClinVar aggregate classification (germline): Benign. Review status: criteria provided, multiple submitters, no conflicts (2 of 4 stars). 3 submissions from 3 submitters: Benign (3). Last evaluated 2026-06-29.

Conditions:
ASTN2-related disorder. Also called: ASTN2-related condition.

Allele frequency attached by ClinVar (database versions not stated): ExAC 0.00594; 1000 Genomes Project 0.01737; gnomAD 0.01883 and 0.02020; 1000 Genomes Project 30x 0.01983; TOPMed 0.02129; ESP Exome Variant Server 0.02245.
gnomAD v4.1: 5,643 of 1,614,008 alleles (0.35%); highest among the groups gnomAD compares: African/African-American, 6.6%; 162 homozygotes.

Submissions (3):

PreventionGenetics, part of Exact Sciences
Classification: Benign for ASTN2-related condition. Last evaluated: 2026-06-29. Review status: criteria provided, single submitter. Criteria: ACMG Guidelines, 2015. Collection method: clinical testing. Allele origin: germline.
Comment: This variant is classified as benign based on ACMG/AMP sequence variant interpretation guidelines (Richards et al. 2015 PMID: 25741868, with internal and published modifications).

Labcorp Genetics (formerly Invitae), Labcorp
Classification: Benign. Last evaluated: 2019-12-31. Review status: criteria provided, single submitter. Criteria: Invitae Variant Classification Sherloc (09022015). Collection method: clinical testing. Allele origin: germline.

Breakthrough Genomics
Classification: Benign. Review status: criteria provided, single submitter. Criteria: ACMG Guidelines, 2015. Collection method: not provided. Allele origin: germline. Inheritance: Unknown mechanism. Affected: yes.

NM_001365068.1(ASTN2):c.3844C>A (p.Arg1282=)

Gene: ASTN2 (astrotactin 2; minus strand). Cytogenetic location: 9q33.1.
Variant type: single nucleotide variant.
Coding change: c.3844C>A on transcript NM_001365068.1 (MANE Select); coding-DNA position 3844, C replaced by A.
Protein change: p.Arg1282=; no amino-acid change (arginine 1282 retained).
Molecular consequence: synonymous variant.
Genome position (GRCh38, 1-based): chr9:116,426,027, G>T on the plus strand (C>A on the coding strand, the complement: ASTN2 is on the minus strand). VCF-style: chr9-116426027-G-T. GRCh37 (hg19) VCF-style: chr9-119188306-G-T.
Other names: c.1000C>A, p.Arg334= (NM_001184734.1, NM_198187.3, NM_198188.2); c.3832C>A, p.Arg1278= (NM_001365069.1); c.3691C>A, p.Arg1231= (NM_014010.5); c.1147C>A, p.Arg383= (NM_198186.3).
Identifiers: ClinVar variation 792133 (VCV000792133.6), dbSNP rs73520334, ClinGen allele CA5210558.